The following is an entry in ClinVar:

ClinVar aggregate classification (germline): Likely pathogenic (1 of 4 stars; one submission).

Conditions:
Rubinstein-Taybi syndrome due to CREBBP mutations (RSTS1). Also called: RUBINSTEIN-TAYBI SYNDROME 1, INCOMPLETE; RUBINSTEIN SYNDROME; BROAD THUMB-HALLUX SYNDROME; Rubinstein-Taybi syndrome 1; BROAD THUMBS AND GREAT TOES, CHARACTERISTIC FACIES, AND IMPAIRED INTELLECTUAL DEVELOPMENT; CREBBP-Related Rubinstein-Taybi Syndrome. Identifiers: Orphanet 353277, Orphanet 783, MedGen C4551859, MONDO:0008393, OMIM 180849.

Submissions (2):

Neuberg Centre For Genomic Medicine, NCGM
Classification: Likely pathogenic for Rubinstein-Taybi syndrome due to CREBBP mutations. Review status: criteria provided, single submitter. Criteria: ACMG Guidelines, 2015. Collection method: clinical testing. Allele origin: germline. Inheritance: Autosomal dominant inheritance. Affected: yes.
Comment: The splice acceptor variant c.1824-1G>C in CREBBP (NM_004380.3) has not been reported previously as a pathogenic variant nor as a benign variant, to our knowledge. The c.1824-1G>C variant is novel (not in any individuals) in gnomAD Exomes and is novel (not in any individuals) in 1000 Genomes. This variant affects an invariant splice site and hence is predicted to cause protein truncation. Loss of function variants have been reported to be disease causing. For these reasons, this variant has been classified as Likely Pathogenic.

Dr. Peter K. Rogan Lab, Western University
No classification provided (evidence only). Condition: Thyroid cancer, nonmedullary, 1. Review status: no classification provided. Collection method: in vitro. Allele origin: not applicable. Functional consequence: retained intron. Not counted in ClinVar's aggregate classification.

NM_004380.3(CREBBP):c.1824-1G>C

Gene: CREBBP (CREB binding lysine acetyltransferase; minus strand). Cytogenetic location: 16p13.3.
Variant type: single nucleotide variant.
Coding change: c.1824-1G>C on transcript NM_004380.3 (MANE Select); the canonical splice acceptor site of the intron before coding-DNA position 1824, G replaced by C.
Molecular consequence: splice acceptor variant.
Genome position (GRCh38, 1-based): chr16:3,778,818, C>G on the plus strand (G>C on the coding strand, the complement: CREBBP is on the minus strand). VCF-style: chr16-3778818-C-G. GRCh37 (hg19) VCF-style: chr16-3828819-C-G.
Other names: NC_000016.9:g.3828819C>G; c.1710-1G>C (NM_001079846.1).
Identifiers: ClinVar variation 2627538 (VCV002627538.2), dbSNP rs1596910004, ClinGen allele CA394556107.